The following is an entry in ClinVar:

ClinVar aggregate classification (germline): Pathogenic. Review status: criteria provided, multiple submitters, no conflicts (2 of 4 stars). 12 submissions from 12 submitters: Pathogenic (9). 3 of the submissions do not count toward it. Last evaluated 2025-08-26.

Conditions:
LRPPRC-related disorder. Also called: LRPPRC-related condition.
Congenital lactic acidosis, Saguenay-Lac-Saint-Jean type (MC4DN5). Also called: CYTOCHROME c OXIDASE DEFICIENCY, FRENCH CANADIAN TYPE; COX DEFICIENCY, FRENCH CANADIAN TYPE; MITOCHONDRIAL COMPLEX IV DEFICIENCY, NUCLEAR TYPE 5. Identifiers: Orphanet 70472, MedGen C1857355, MONDO:0009069, OMIM 220111.

Allele frequency attached by ClinVar (database versions not stated): TOPMed below 0.00001; gnomAD 0.00001; ExAC 0.00004; gnomAD exomes 0.00006.
gnomAD v4.1: 38 of 1,610,422 alleles (0.0024%); highest among the groups gnomAD compares: Non-Finnish European, 0.0029%; no homozygotes.

Submissions (12):

Variantyx, Inc.
Classification: Pathogenic for Congenital lactic acidosis, Saguenay-Lac-Saint-Jean type. Last evaluated: 2025-08-26. Review status: criteria provided, single submitter. Criteria: Variantyx Assertion Criteria 2022. Collection method: clinical testing. Allele origin: germline. Inheritance: Autosomal recessive inheritance. Affected: no.
Comment: This is a nonsynonymous variant in the LRPPRC gene (OMIM: 607544). Pathogenic variants in this gene have been associated with autosomal recessive nuclear type 5 mitochondrial complex IV deficiency . This variant has been identified in the homozygous or compound heterozygous state in multiple affected individuals reported in the published literature (PMID: 21266382, 12529507) (PM3). Computational algorithms produce conflicting evidence regarding the predicted functional impact of this variant (REVEL score: 0.426), but functional studies have shown that this variant alters LRPPRC protein function (PMID: 25214534) (PS3). This variant has a 0.0029% maximum allele frequency in non-founder control populations (PM2). Based on the current evidence, this variant is classified as pathogenic for autosomal recessive nuclear type 5 mitochondrial complex IV deficiency.

Natera, Inc.
Classification: Pathogenic for French-Canadian type Leigh syndrome. Last evaluated: 2025-07-31. Review status: criteria provided, single submitter. Criteria: Natera Variant Classification Schema (03/2026). Collection method: clinical testing. Allele origin: germline.
Comment: The c.1061C>T variant in LRPPRC is a missense variant predicted to cause substitution of alanine to valine at amino acid 354. This variant is rare in the general population with a frequency below the threshold expected for the associated phenotype(s). This variant has been observed in one or more individuals affected with the associated recessive disease, as either homozygous or compound heterozygous with a second variant (PMID: 35242578). Computational prediction algorithms indicate this variant is likely to affect gene or protein function. Given the available evidence, this variant is classified as Pathogenic.

Blueprint Genetics
Classification: Pathogenic for LRPPRC-related disorders. Last evaluated: 2024-08-23. Review status: criteria provided, single submitter. Criteria: ACMG Guidelines, 2015. Collection method: clinical testing. Allele origin: germline. Affected: yes. Observed: 5 variant alleles.

Baylor Genetics
Classification: Pathogenic for Congenital lactic acidosis, Saguenay-Lac-Saint-Jean type. Last evaluated: 2024-03-25. Review status: criteria provided, single submitter. Criteria: ACMG Guidelines, 2015. Collection method: clinical testing. Allele origin: unknown.

Labcorp Genetics (formerly Invitae), Labcorp
Classification: Pathogenic. Last evaluated: 2024-01-16. Review status: criteria provided, single submitter. Criteria: Invitae Variant Classification Sherloc (09022015). Collection method: clinical testing. Allele origin: germline.
Comment: This sequence change replaces alanine, which is neutral and non-polar, with valine, which is neutral and non-polar, at codon 354 of the LRPPRC protein (p.Ala354Val). This variant is present in population databases (rs119466000, gnomAD 0.01%). This missense change has been observed in individual(s) with LRPPRC-related conditions (PMID: 21266382). In at least one individual the data is consistent with being in trans (on the opposite chromosome) from a pathogenic variant. It is commonly reported in individuals of French-Canadian ancestry (PMID: 12529507, 21266382). ClinVar contains an entry for this variant (Variation ID: 3110). Advanced modeling of protein sequence and biophysical properties (such as structural, functional, and spatial information, amino acid conservation, physicochemical variation, residue mobility, and thermodynamic stability) performed at Invitae indicates that this missense variant is expected to disrupt LRPPRC protein function with a positive predictive value of 80%. Experimental studies have shown that this missense change affects LRPPRC function (PMID: 15139850). For these reasons, this variant has been classified as Pathogenic.

GeneDx
Classification: Pathogenic. Last evaluated: 2021-03-01. Review status: criteria provided, single submitter. Criteria: GeneDx Variant Classification Process June 2021. Collection method: clinical testing. Allele origin: germline. Affected: yes.
Comment: Not observed at a significant frequency in large population cohorts (Lek et al., 2016); In silico analysis supports that this missense variant has a deleterious effect on protein structure/function; This variant is associated with the following publications: (PMID: 20200222, 17050673, 15139850, 12529507, 21266382, 25214534)

Revvity Omics, Revvity
Classification: Pathogenic for Congenital lactic acidosis, Saguenay-Lac-Saint-Jean type. Last evaluated: 2021-02-16. Review status: criteria provided, single submitter. Criteria: ACMG Guidelines, 2015. Collection method: clinical testing. Allele origin: germline.

Women's Health and Genetics/Laboratory Corporation of America, LabCorp
Classification: Pathogenic for Congenital lactic acidosis, Saguenay-Lac-Saint-Jean type. Last evaluated: 2020-09-17. Review status: criteria provided, single submitter. Criteria: LabCorp Variant Classification Summary - May 2015. Collection method: clinical testing. Allele origin: germline.
Comment: Variant summary: LRPPRC c.1061C>T (p.Ala354Val) results in a non-conservative amino acid change in the encoded protein sequence. Five of five in-silico tools predict a damaging effect of the variant on protein function. The variant allele was found at a frequency of 5.6e-05 in 251350 control chromosomes. c.1061C>T has been reported in the literature in many individuals affected with Leigh Syndrome, French-Canadian Type (examples- Mootha_2003, Debray_2011). These data indicate that the variant is very likely to be associated with disease. At least one publication reports experimental evidence evaluating an impact on protein function, indicating that fibroblasts from patients homozygous for the variant demonstrated reduced levels of COX enzyme activity and a reduction in the synthesis of mitochondrial COX subunits (Sasarman_2010). Two clinical diagnostic laboratories have submitted clinical-significance assessments for this variant to ClinVar after 2014 without evidence for independent evaluation. Both laboratories cited the variant as pathogenic. Based on the evidence outlined above, the variant was classified as pathogenic.

Genetic Services Laboratory, University of Chicago
Classification: Pathogenic. Last evaluated: 2020-01-25. Review status: criteria provided, single submitter. Criteria: ACMG Guidelines, 2015. Collection method: clinical testing. Allele origin: germline. Affected: yes.
Comment: DNA sequence analysis of the LRPPRC gene demonstrated a sequence change, c.1061C>T, in exon 9 that results in an amino acid change, p.Ala354Val. This sequence change has been previously described in patients with Leigh syndrome in both homozygous and compund heterozygous state (PMID: 12529507). This sequence change has been reported as a founder variant for Leigh syndrome in the French-Canadian population (PMID: 12529507, 21266382). Experimental studies have shown that skin fibroblasts cell lines with this sequence change had reduced levels of LRPPRC protein expression in mitochondria (PMID: 15139850). This sequence change has been described in the gnomAD database with a low population frequency of 0.011% (dbSNP rs119466000) however, it has not been observed in homozygous state in any individuals. The p.Ala354Val change affects a moderately conserved amino acid residue located in a domain of the LRPPRC protein that is not known to be functional. In-silico pathogenicity prediction tools (SIFT, PolyPhen2, Align GVGD, REVEL) provide contradictory results for the p.Ala354Val substitution. These collective evidences indicate that this sequence change is pathogenic.

PreventionGenetics, part of Exact Sciences
Classification: Pathogenic for LRPPRC-related condition. Last evaluated: 2024-02-01. Review status: no assertion criteria provided. Collection method: clinical testing. Allele origin: germline. Not counted in ClinVar's aggregate classification.
Comment: The LRPPRC c.1061C>T variant is predicted to result in the amino acid substitution p.Ala354Val. The p.Ala354Val variant is considered a founder variant in French-Canadian populations and is highly prevalent in individuals with Leigh syndrome, French-Canadian type (LSFC) (Mootha et al. 2003. PubMed ID: 12529507; Debray et al. 2011. PubMed ID: 21266382). This variant has been reported in the homozygous state in almost every known LSFC patient (Mootha et al. 2003. PubMed ID: 12529507). In vitro functional studies have demonstrated that this variant leads to impaired LRPPRC protein function and reduced stability of mitochondrial mRNAs, leading to decreased expression of many mitochondrial proteins and Complex IV deficiency (Sasarman et al. 2010. PubMed ID: 20200222). Additional experiments noted tissue-specific phenotypic variability with skeletal muscle and liver cells more severely affected compared to heart tissue (Sasarman et al. 2015. PubMed ID: 25214534). This variant is reported in 0.011% of alleles in individuals of European (Non-Finnish) descent in gnomAD. Taken together, this variant is interpreted as pathogenic.

Counsyl
Classification: Pathogenic for Congenital lactic acidosis, Saguenay-Lac-Saint-Jean type. Last evaluated: 2017-07-11. Review status: no assertion criteria provided. Collection method: clinical testing. Allele origin: unknown. Not counted in ClinVar's aggregate classification.

OMIM
Classification: Pathogenic for MITOCHONDRIAL COMPLEX IV DEFICIENCY, NUCLEAR TYPE 5. Last evaluated: 2003-01-21. Review status: no assertion criteria provided. Collection method: literature only. Allele origin: germline. Not counted in ClinVar's aggregate classification.

Literature cited by the submitters: PubMed 25214534 (cited by Variantyx, Inc.); PubMed 21266382 (cited by 4 submitters); PubMed 12529507 (cited by 5 submitters); PubMed 35242578 (cited by Natera, Inc.); PubMed 15139850 (cited by Labcorp Genetics (formerly Invitae), Labcorp); PubMed 20200222 (cited by Women's Health and Genetics/Laboratory Corporation of America, LabCorp); PubMed 17050673 (cited by Counsyl).

NM_133259.4(LRPPRC):c.1061C>T (p.Ala354Val)

Gene: LRPPRC (leucine rich pentatricopeptide repeat containing; minus strand). Cytogenetic location: 2p21.
Variant type: single nucleotide variant.
Coding change: c.1061C>T on transcript NM_133259.4 (MANE Select); coding-DNA position 1061, C replaced by T.
Protein change: p.Ala354Val; replaces alanine 354 with valine.
Molecular consequence: missense variant.
Genome position (GRCh38, 1-based): chr2:43,974,244, G>A on the plus strand (C>T on the coding strand, the complement: LRPPRC is on the minus strand). VCF-style: chr2-43974244-G-A. GRCh37 (hg19) VCF-style: chr2-44201383-G-A.
Other names: short protein forms A354V.
Identifiers: ClinVar variation 3110 (VCV000003110.29), dbSNP rs119466000, ClinGen allele CA210483.
Genomic context (GRCh38, chr2:43,974,244, plus strand): 5'-CTGCCAAAGACACTTGGGCCATCTTCCTTTGATACGGGGCATGCTAGTAAAATTTGCAAC[G>A]CTACATCTTCCAATTTTTCAGTGACTAAAAGTAAAATGAGGTTCATTGCATCTGGGAAGA-3'
Protein context (NP_573566.2, residues 344-364): LLVTEKLEDV[Ala354Val]LQILLACPVS